The following is an entry in ClinVar:

NM_004415.4(DSP):c.1288G>T (p.Glu430Ter)

Gene: DSP (desmoplakin; plus strand). Cytogenetic location: 6p24.3.
Variant type: single nucleotide variant.
Coding change: c.1288G>T on transcript NM_004415.4 (MANE Select); coding-DNA position 1288, G replaced by T.
Protein change: p.Glu430Ter; replaces glutamic acid 430 with a stop codon.
Molecular consequence: nonsense.
Genome position (GRCh38, 1-based): chr6:7,568,458, G>T. VCF-style: chr6-7568458-G-T. GRCh37 (hg19) VCF-style: chr6-7568691-G-T.
Other names: c.1288G>T, p.Glu430Ter (NM_001008844.3, NM_001319034.2); short protein forms E430*.
Identifiers: ClinVar variation 857798 (VCV000857798.12), dbSNP rs761380979, ClinGen allele CA362676325.

ClinVar aggregate classification (germline): Pathogenic/Likely pathogenic. Review status: criteria provided, multiple submitters, no conflicts (2 of 4 stars). 3 submissions from 3 submitters: Pathogenic (2); Likely pathogenic (1). Last evaluated 2025-12-09.

Conditions:
Arrhythmogenic right ventricular dysplasia 8 (ARVD8). Also called: Arrhythmogenic Right Ventricular Dysplasia/Cardiomyopathy 8; ARRHYTHMOGENIC RIGHT VENTRICULAR DYSPLASIA, FAMILIAL, 8; ARRHYTHMOGENIC RIGHT VENTRICULAR CARDIOMYOPATHY 8. Identifiers: MedGen C1843896, MONDO:0011831, OMIM 607450.
Arrhythmogenic cardiomyopathy with wooly hair and keratoderma. Also called: Arrhythmogenic cardiomyopathy with woolly hair and keratoderma; PALMOPLANTAR KERATODERMA WITH LEFT VENTRICULAR CARDIOMYOPATHY AND WOOLLY HAIR; Dilated cardiomyopathy with woolly hair and keratoderma; Carvajal syndrome. Identifiers: Orphanet 65282, MedGen C1854063, MONDO:0011581, OMIM 605676.
Cardiomyopathy (CMYO). Also called: Cardiomyopathies. Identifiers: Orphanet 167848, MedGen C0878544, MONDO:0004994, HP:0001638. Inheritance: Various modes of inheritance.

gnomAD v4.1: 1 of 1,614,072 alleles (0.000062%); highest among the groups gnomAD compares: Non-Finnish European, 0.000085%; no homozygotes.

Submissions (3):

Labcorp Genetics (formerly Invitae), Labcorp
Classification: Pathogenic for Arrhythmogenic cardiomyopathy with wooly hair and keratoderma; Arrhythmogenic right ventricular dysplasia 8. Last evaluated: 2025-12-09. Review status: criteria provided, single submitter. Criteria: Invitae Variant Classification Sherloc (09022015). Collection method: clinical testing. Allele origin: germline.
Comment: This sequence change creates a premature translational stop signal (p.Glu430*) in the DSP gene. It is expected to result in an absent or disrupted protein product. Loss-of-function variants in DSP are known to be pathogenic (PMID: 20716751, 24503780, 25227139, 30398466). This variant is not present in population databases (gnomAD no frequency). This premature translational stop signal has been observed in individual(s) with arrhythmogenic right ventricular cardiomyopathy (PMID: 23812740, 27532257). ClinVar contains an entry for this variant (Variation ID: 857798). For these reasons, this variant has been classified as Pathogenic.

Victorian Clinical Genetics Services, Murdoch Childrens Research Institute
Classification: Pathogenic for Cardiomyopathy. Last evaluated: 2023-07-17. Review status: criteria provided, single submitter. Criteria: ACMG Guidelines, 2015. Collection method: clinical testing. Allele origin: germline. Inheritance: Autosomal dominant inheritance. Affected: yes.
Comment: Based on the classification scheme VCGS_Germline_v1.3.4, this variant is classified as Pathogenic. Following criteria are met: 0102 - Loss of function is a known mechanism of disease in this gene and is associated with cardiomyopathy (MONDO#0004994), DSP-related. (I) 0108 - This gene is associated with both recessive and dominant disease. Variants in this gene are usually inherited in a dominant manner, however rare reports of recessive inheritance have resulted in a more severe cardiac phenotype (OMIM). (I) 0115 - Variants in this gene are known to have variable expressivity. Age-dependent penetrance and variable expressivity are well-described aspects of arrhythmogenic cardiomyopathy (PMID: 29062697). (I) 0201 - Variant is predicted to cause nonsense-mediated decay (NMD) and loss of protein (premature termination codon is located at least 54 nucleotides upstream of the final exon-exon junction). (SP) 0251 - This variant is heterozygous. (I) 0301 - Variant is absent from gnomAD (both v2 and v3). (SP) 0701 - Other premature termination variants comparable to the one identified in this case have very strong previous evidence for pathogenicity. Many NMD-predicted variants in this gene have been reported as pathogenic/likely pathogenic (ClinVar). (SP) 0802 - This variant has moderate previous evidence of pathogenicity in unrelated individuals. It has been reported multiple times as likely pathogenic/pathogenic, including in individuals with arrhythmogenic right ventricular dysplasia (ClinVar, cardiodb). (SP) 1208 - Inheritance information for this variant is not currently available in this individual. (I) Legend: (SP) - Supporting pathogenic, (I) - Information, (SB) - Supporting benign

CHEO Genetics Diagnostic Laboratory, Children's Hospital of Eastern Ontario
Classification: Likely pathogenic for Cardiomyopathy. Last evaluated: 2019-04-30. Review status: criteria provided, single submitter. Criteria: ACMG Guidelines, 2015. Collection method: clinical testing. Allele origin: germline.

Literature cited by the submitters: PubMed 20716751 (cited by Labcorp Genetics (formerly Invitae), Labcorp); PubMed 24503780 (cited by Labcorp Genetics (formerly Invitae), Labcorp); PubMed 25227139 (cited by Labcorp Genetics (formerly Invitae), Labcorp); PubMed 30398466 (cited by Labcorp Genetics (formerly Invitae), Labcorp); PubMed 23812740 (cited by Labcorp Genetics (formerly Invitae), Labcorp); PubMed 27532257 (cited by Labcorp Genetics (formerly Invitae), Labcorp); PubMed 29062697 (cited by Victorian Clinical Genetics Services, Murdoch Childrens Research Institute).